The following is an entry in ClinVar:

ClinVar aggregate classification (germline): Uncertain significance (1 of 4 stars; one submission).

Allele frequency attached by ClinVar (database versions not stated): gnomAD exomes below 0.00001; ExAC 0.00001.
gnomAD v4.1: 2 of 1,614,190 alleles (0.00012%); highest among the groups gnomAD compares: Non-Finnish European, 0.00017%; no homozygotes.

Submission:

Ambry Genetics
Classification: Uncertain significance. Last evaluated: 2024-11-22. Review status: criteria provided, single submitter. Criteria: Ambry Variant Classification Scheme 2023. Collection method: clinical testing. Allele origin: germline.
Comment: The p.G1053E variant (also known as c.3158G>A), located in coding exon 1 of the MLH3 gene, results from a G to A substitution at nucleotide position 3158. The glycine at codon 1053 is replaced by glutamic acid, an amino acid with similar properties. This amino acid position is conserved. In addition, this alteration is predicted to be deleterious by in silico analysis. Since supporting evidence is limited at this time, the clinical significance of this alteration remains unclear.

NM_001040108.2(MLH3):c.3158G>A (p.Gly1053Glu)

Gene: MLH3 (mutL homolog 3; minus strand). Cytogenetic location: 14q24.3.
Variant type: single nucleotide variant.
Coding change: c.3158G>A on transcript NM_001040108.2 (MANE Select); coding-DNA position 3158, G replaced by A.
Protein change: p.Gly1053Glu; replaces glycine 1053 with glutamic acid.
Molecular consequence: missense variant.
Genome position (GRCh38, 1-based): chr14:75,046,498, C>T on the plus strand (G>A on the coding strand, the complement: MLH3 is on the minus strand). VCF-style: chr14-75046498-C-T. GRCh37 (hg19) VCF-style: chr14-75513201-C-T.
Other names: c.3158G>A, p.Gly1053Glu (NM_014381.3); short protein forms G1053E.
Identifiers: ClinVar variation 1728253 (VCV001728253.3), dbSNP rs760647376, ClinGen allele CA7275580.